The following is an entry in ClinVar:

ClinVar aggregate classification (germline): Conflicting classifications of pathogenicity. Review status: criteria provided, conflicting classifications (1 of 4 stars). 3 submissions from 3 submitters: Uncertain significance (1); Likely benign (2). Last evaluated 2026-02-26.

Conditions:
ATP7A-related disorder. Also called: ATP7A-related condition.
X-linked distal spinal muscular atrophy type 3. Also called: SPINAL MUSCULAR ATROPHY, DISTAL, X-LINKED RECESSIVE; NEURONOPATHY, DISTAL HEREDITARY MOTOR, X-LINKED; NEUROPATHY, DISTAL HEREDITARY MOTOR, X-LINKED; ATP7A-Related Distal Motor Neuropathy. Identifiers: Orphanet 139557, MedGen C1845359, MONDO:0010338, OMIM 300489.
Menkes kinky-hair syndrome (MNK). Also called: Copper transport disease; Classic Menkes Disease; Menkes Disease. Identifiers: Orphanet 565, MedGen C0022716, MONDO:0010651, OMIM 309400.
Cutis laxa, X-linked (OHS). Also called: EDS IX; Occipital horn syndrome. Identifiers: Orphanet 198, MedGen C0268353, MONDO:0010572, OMIM 304150.
Inborn genetic diseases. Identifiers: MedGen C0950123, MeSH D030342.

Allele frequency attached by ClinVar (database versions not stated): ExAC 0.00001; gnomAD 0.00001; gnomAD exomes 0.00002 and 0.00003; TOPMed 0.00002.
gnomAD v4.1: 36 of 1,209,251 alleles (0.003%); highest among the groups gnomAD compares: Non-Finnish European, 0.0039%; no homozygotes.

Submissions (3):

PreventionGenetics, part of Exact Sciences
Classification: Uncertain significance for ATP7A-related condition. Last evaluated: 2026-02-26. Review status: criteria provided, single submitter. Criteria: ACMG Guidelines, 2015. Collection method: clinical testing. Allele origin: germline.
Comment: The ATP7A c.1222A>G variant is predicted to result in the amino acid substitution p.Ile408Val. To our knowledge, this variant has not been reported in the literature. This variant is reported in 0.0037% of alleles in individuals of European (Non-Finnish) descent in gnomAD. At this time, the clinical significance of this variant is uncertain due to the absence of conclusive functional and genetic evidence.

Ambry Genetics
Classification: Likely benign for Inborn genetic diseases. Last evaluated: 2024-07-25. Review status: criteria provided, single submitter. Criteria: Ambry Variant Classification Scheme 2023. Collection method: clinical testing. Allele origin: germline.

Labcorp Genetics (formerly Invitae), Labcorp
Classification: Likely benign for X-linked distal spinal muscular atrophy type 3; Cutis laxa, X-linked; Menkes kinky-hair syndrome. Last evaluated: 2023-08-18. Review status: criteria provided, single submitter. Criteria: Invitae Variant Classification Sherloc (09022015). Collection method: clinical testing. Allele origin: germline.

NM_000052.7(ATP7A):c.1222A>G (p.Ile408Val)

Gene: ATP7A (ATPase copper transporting alpha; plus strand). Cytogenetic location: Xq21.1.
Variant type: single nucleotide variant.
Coding change: c.1222A>G on transcript NM_000052.7 (MANE Select); coding-DNA position 1222, A replaced by G.
Protein change: p.Ile408Val; replaces isoleucine 408 with valine.
Molecular consequence: missense variant.
Genome position (GRCh38, 1-based): chrX:77,989,844, A>G. VCF-style: chrX-77989844-A-G. GRCh37 (hg19) VCF-style: chrX-77245340-A-G.
Other names: c.1222A>G (NM_000052.4, NM_000052.6); c.1222A>G, p.Ile408Val (NM_001282224.2); short protein forms I408V.
Identifiers: ClinVar variation 1607771 (VCV001607771.10), dbSNP rs782815622, ClinGen allele CA10459006.